The following is an entry in ClinVar:

NM_000021.4(PSEN1):c.1156T>A (p.Phe386Ile)

Gene: PSEN1 (presenilin 1; plus strand). Cytogenetic location: 14q24.2.
Variant type: single nucleotide variant.
Coding change: c.1156T>A on transcript NM_000021.4 (MANE Select); coding-DNA position 1156, T replaced by A.
Protein change: p.Phe386Ile; replaces phenylalanine 386 with isoleucine.
Molecular consequence: missense variant.
Genome position (GRCh38, 1-based): chr14:73,217,152, T>A. VCF-style: chr14-73217152-T-A. GRCh37 (hg19) VCF-style: chr14-73683860-T-A.
Other names: c.1144T>A, p.Phe382Ile (NM_007318.3); short protein forms F382I, F386I.
Identifiers: ClinVar variation 2632484 (VCV002632484.1), dbSNP rs2503026566, ClinGen allele CA390305749.
Genomic context (GRCh38, chr14:73,217,152, plus strand): 5'-CAACTTTTTAATATTTGTAACCTTTCCTTTTTAGGGGGAGTAAAACTTGGATTGGGAGAT[T>A]TCATTTTCTACAGTGTTCTGGTTGGTAAAGCCTCAGCAACAGCCAGTGGAGACTGGAACA-3'
Protein context (NP_000012.1, residues 376-396): ERGVKLGLGD[Phe386Ile]IFYSVLVGKA

ClinVar aggregate classification (germline): Likely pathogenic (1 of 4 stars; one submission).

Conditions:
PSEN1-related disorder. Also called: PSEN1-related condition.

Submission:

PreventionGenetics, part of Exact Sciences
Classification: Likely pathogenic for PSEN1-related condition. Last evaluated: 2023-06-20. Review status: criteria provided, single submitter. Criteria: ACMG Guidelines, 2015. Collection method: clinical testing. Allele origin: germline.
Comment: The PSEN1 c.1156T>A variant is predicted to result in the amino acid substitution p.Phe386Ile. This variant was reported to segregate in three siblings with early on-set Alzheimer's disease (Shea et al. 2017. PubMed ID: 27816212). This variant has not been reported in a large population database, indicating this variant is rare. Of note other variants impacting the same amino acid (p.Phe386Leu and p.Phe386Ser) have also been reported in patients with Alzheimer's disease (reviewed in Shea et al. 2017. PubMed ID: 27816212). Based on this evidence, we interpret this variant as likely pathogenic.